The following is an entry in ClinVar:

ClinVar aggregate classification (germline): Pathogenic. Review status: criteria provided, multiple submitters, no conflicts (2 of 4 stars). 3 submissions from 3 submitters: Pathogenic (3). Last evaluated 2022-10-05.

Conditions:
Cardiovascular phenotype. Identifiers: MedGen CN230736.
Hypertrophic cardiomyopathy 1 (CMH1). Also called: Familial hypertrophic cardiomyopathy 1; MYH7-Related Familial Hypertrophic Cardiomyopathy. Identifiers: MedGen C3495498, MONDO:0008647, OMIM 192600.
Hypertrophic cardiomyopathy 4. Also called: Familial hypertrophic cardiomyopathy 4. Identifiers: MedGen C1861862, MONDO:0007268, OMIM 115197.

Submissions (3):

Ambry Genetics
Classification: Pathogenic for Cardiovascular phenotype. Last evaluated: 2022-10-05. Review status: criteria provided, single submitter. Criteria: Ambry Variant Classification Scheme 2023. Collection method: clinical testing. Allele origin: germline.
Comment: The p.Y434* pathogenic mutation (also known as c.1302C>A), located in coding exon 15 of the MYBPC3 gene, results from a C to A substitution at nucleotide position 1302. This changes the amino acid from a tyrosine to a stop codon within coding exon 15. This alteration has been reported in individuals with hypertrophic cardiomyopathy (HCM) (Captur G et al. Circ Cardiovasc Genet, 2014 Jun;7:241-8; Lopes LR et al. Heart, 2015 Feb;101:294-301; Bottillo I et al. Gene, 2016 Feb;577:227-35; Ross SB et al. Circ Cardiovasc Genet, 2017 Jun;10:[ePub ahead of print]). This variant is considered to be rare based on population cohorts in the Genome Aggregation Database (gnomAD). In addition, this alteration is expected to result in loss of function by premature protein truncation or nonsense-mediated mRNA decay. As such, this alteration is interpreted as a disease-causing mutation.

Victorian Clinical Genetics Services, Murdoch Childrens Research Institute
Classification: Pathogenic for Hypertrophic cardiomyopathy 4. Last evaluated: 2022-03-31. Review status: criteria provided, single submitter. Criteria: ACMG Guidelines, 2015. Collection method: clinical testing. Allele origin: germline. Inheritance: Autosomal dominant inheritance. Affected: yes.
Comment: Based on the classification scheme VCGS_Germline_v1.3.4, this variant is classified as Pathogenic. Following criteria are met: 0102 - Loss of function is a known mechanism of disease in this gene and is associated with hypertrophic cardiomyopathy 4 (HCM; MIM#115197). (I) 0108 - This gene is associated with both recessive and dominant disease. Dominant inheritance is frequently reported in adult onset conditions, however recessive inheritance results in a more severe early onset phenotype (OMIM). (I) 0115 - Variants in this gene are known to have variable expressivity (PMID: 32841044). (I) 0201 - Variant is predicted to cause nonsense-mediated decay (NMD) and loss of protein (premature termination codon is located at least 54 nucleotides upstream of the final exon-exon junction). (SP) 0251 - This variant is heterozygous. (I) 0301 - Variant is absent from gnomAD (both v2 and v3). (SP) 0701 - Other NMD-predicted variants comparable to the one identified in this case have very strong previous evidence for pathogenicity. These variants have been reported many times as pathogenic (DECIPHER). (SP) 0802 - This variant has moderate previous evidence of pathogenicity in unrelated individuals. This variant has been reported as pathogenic, and observed in at least three unrelated individuals with hypertrophic cardiomyopathy (PMID: 25351510, PMID: 23396983, PMID: 26656175, PMID: 28615295, PMID: 28408708). (SP) 1208 - Inheritance information for this variant is not currently available in this individual. (I) Legend: (SP) - Supporting pathogenic, (I) - Information, (SB) - Supporting benign

Agnes Ginges Centre for Molecular Cardiology, Centenary Institute
Classification: Pathogenic for Hypertrophic cardiomyopathy 1. Last evaluated: 2015-03-06. Review status: criteria provided, single submitter. Criteria: Agnes Ginges Centre for Molecular Cardiology criteria (2015). Collection method: research. Allele origin: germline. Inheritance: Autosomal dominant inheritance. Affected: yes.
Comment: The MYBPC3 Tyr434* variant has been previously reported by Captur et al (2014) in one HCM proband. It is absent from the Exome Aggregation Consortium dataset. This variant is predicted to lead to a premature stop codon and result in a trauncated or absent protein. Loss-of-function mutations in the MYBPC3 gene are an established mechanism of disease in HCM. Hence, we classify MYBPC3 Tyr434* as "pathogenic".

Literature cited by the submitters: PubMed 24704860 (cited by Ambry Genetics and Agnes Ginges Centre for Molecular Cardiology, Centenary Institute); PubMed 25351510 (cited by Ambry Genetics and Victorian Clinical Genetics Services, Murdoch Childrens Research Institute); PubMed 26656175 (cited by Ambry Genetics and Victorian Clinical Genetics Services, Murdoch Childrens Research Institute); PubMed 28615295 (cited by Ambry Genetics and Victorian Clinical Genetics Services, Murdoch Childrens Research Institute); PubMed 23396983 (cited by Victorian Clinical Genetics Services, Murdoch Childrens Research Institute); PubMed 28408708 (cited by Victorian Clinical Genetics Services, Murdoch Childrens Research Institute); PubMed 32841044 (cited by Victorian Clinical Genetics Services, Murdoch Childrens Research Institute).

NM_000256.3(MYBPC3):c.1302C>A (p.Tyr434Ter)

Gene: MYBPC3 (myosin binding protein C3; minus strand). Cytogenetic location: 11p11.2.
Variant type: single nucleotide variant.
Coding change: c.1302C>A on transcript NM_000256.3 (MANE Select); coding-DNA position 1302, C replaced by A.
Protein change: p.Tyr434Ter; replaces tyrosine 434 with a stop codon.
Molecular consequence: nonsense.
Genome position (GRCh38, 1-based): chr11:47,343,070, G>T on the plus strand (C>A on the coding strand, the complement: MYBPC3 is on the minus strand). VCF-style: chr11-47343070-G-T. GRCh37 (hg19) VCF-style: chr11-47364621-G-T.
Other names: c.1302C>A, p.Tyr434Ter (LRG_386t1); short protein forms Y434*.
Identifiers: ClinVar variation 217827 (VCV000217827.5), dbSNP rs190228518, ClinGen allele CA044146.